The following is an entry in ClinVar:

ClinVar aggregate classification (germline): Uncertain significance. Review status: criteria provided, multiple submitters, no conflicts (2 of 4 stars). 3 submissions from 3 submitters: Uncertain significance (3). Last evaluated 2026-01-12.

Conditions:
Inborn genetic diseases. Identifiers: MedGen C0950123, MeSH D030342.
Atrioventricular septal defect 5 (AVSD5). Identifiers: MedGen C3280939, MONDO:0013769, OMIM 614474.

Submissions (3):

Labcorp Genetics (formerly Invitae), Labcorp
Classification: Uncertain significance for Atrioventricular septal defect 5. Last evaluated: 2026-01-12. Review status: criteria provided, single submitter. Criteria: Invitae Variant Classification Sherloc (09022015). Collection method: clinical testing. Allele origin: germline.
Comment: This sequence change replaces alanine, which is neutral and non-polar, with valine, which is neutral and non-polar, at codon 230 of the GATA6 protein (p.Ala230Val). This variant is not present in population databases (gnomAD no frequency). This variant has not been reported in the literature in individuals affected with GATA6-related conditions. ClinVar contains an entry for this variant (Variation ID: 1311091). Invitae Evidence Modeling of protein sequence and biophysical properties (such as structural, functional, and spatial information, amino acid conservation, physicochemical variation, residue mobility, and thermodynamic stability) has been performed for this missense variant. However, the output from this modeling did not meet the statistical confidence thresholds required to predict the impact of this variant on GATA6 protein function. In summary, the available evidence is currently insufficient to determine the role of this variant in disease. Therefore, it has been classified as a Variant of Uncertain Significance.

Ambry Genetics
Classification: Uncertain significance for Inborn genetic diseases. Last evaluated: 2024-07-06. Review status: criteria provided, single submitter. Criteria: Ambry Variant Classification Scheme 2023. Collection method: clinical testing. Allele origin: germline.

GeneDx
Classification: Uncertain significance. Last evaluated: 2019-12-09. Review status: criteria provided, single submitter. Criteria: GeneDx Variant Classification Process June 2021. Collection method: clinical testing. Allele origin: germline. Affected: yes.
Comment: Has not been previously published as pathogenic or benign to our knowledge; Not observed in large population cohorts (Lek et al., 2016); In silico analysis, which includes protein predictors and evolutionary conservation, supports that this variant does not alter protein structure/function

NM_005257.6(GATA6):c.689C>T (p.Ala230Val)

Gene: GATA6 (GATA binding protein 6; plus strand). Cytogenetic location: 18q11.2.
Variant type: single nucleotide variant.
Coding change: c.689C>T on transcript NM_005257.6 (MANE Select); coding-DNA position 689, C replaced by T.
Protein change: p.Ala230Val; replaces alanine 230 with valine.
Molecular consequence: missense variant.
Genome position (GRCh38, 1-based): chr18:22,171,833, C>T. VCF-style: chr18-22171833-C-T. GRCh37 (hg19) VCF-style: chr18-19751794-C-T.
Other names: c.689C>T (NM_005257.3); short protein forms A230V.
Identifiers: ClinVar variation 1311091 (VCV001311091.4), dbSNP rs2143277030, ClinGen allele CA401800500.